The following is an entry in ClinVar:

ClinVar aggregate classification (germline): Uncertain significance. Review status: criteria provided, multiple submitters, no conflicts (2 of 4 stars). 2 submissions from 2 submitters: Uncertain significance (2). Last evaluated 2025-02-17.

Conditions:
Inborn genetic diseases. Identifiers: MedGen C0950123, MeSH D030342.

Allele frequency attached by ClinVar (database versions not stated): gnomAD exomes below 0.00001; gnomAD 0.00004; TOPMed 0.00008.
gnomAD v4.1: 11 of 1,613,830 alleles (0.00068%); highest among the groups gnomAD compares: Admixed American, 0.015%; no homozygotes.

Submissions (2):

Labcorp Genetics (formerly Invitae), Labcorp
Classification: Uncertain significance. Last evaluated: 2025-02-17. Review status: criteria provided, single submitter. Criteria: Invitae Variant Classification Sherloc (09022015). Collection method: clinical testing. Allele origin: germline.
Comment: This sequence change replaces methionine, which is neutral and non-polar, with threonine, which is neutral and polar, at codon 59 of the CLCN7 protein (p.Met59Thr). This variant is present in population databases (no rsID available, gnomAD 0.003%). This variant has not been reported in the literature in individuals affected with CLCN7-related conditions. ClinVar contains an entry for this variant (Variation ID: 1387788). Invitae Evidence Modeling of protein sequence and biophysical properties (such as structural, functional, and spatial information, amino acid conservation, physicochemical variation, residue mobility, and thermodynamic stability) indicates that this missense variant is not expected to disrupt CLCN7 protein function with a negative predictive value of 95%. In summary, the available evidence is currently insufficient to determine the role of this variant in disease. Therefore, it has been classified as a Variant of Uncertain Significance.

Ambry Genetics
Classification: Uncertain significance for Inborn genetic diseases. Last evaluated: 2024-08-12. Review status: criteria provided, single submitter. Criteria: Ambry Variant Classification Scheme 2023. Collection method: clinical testing. Allele origin: germline.

NM_001287.6(CLCN7):c.176T>C (p.Met59Thr)

Gene: CLCN7 (Cl-/H+ antiporter 7; minus strand). Cytogenetic location: 16p13.3.
Variant type: single nucleotide variant.
Coding change: c.176T>C on transcript NM_001287.6 (MANE Select); coding-DNA position 176, T replaced by C.
Protein change: p.Met59Thr; replaces methionine 59 with threonine.
Molecular consequence: missense variant. On other transcripts: intron variant (1).
Genome position (GRCh38, 1-based): chr16:1,465,304, A>G on the plus strand (T>C on the coding strand, the complement: CLCN7 is on the minus strand). VCF-style: chr16-1465304-A-G. GRCh37 (hg19) VCF-style: chr16-1515305-A-G.
Other names: c.176T>C (NM_001287.4); c.142-3630T>C (NM_001114331.3); short protein forms M59T.
Identifiers: ClinVar variation 1387788 (VCV001387788.8), dbSNP rs1020575479, ClinGen allele CA276685899.